The following is an entry in ClinVar:

NM_001267550.2(TTN):c.79442C>T (p.Ala26481Val)

Genes: TTN (titin; minus strand), TTN-AS1 (TTN antisense RNA 1; plus strand). Cytogenetic location: 2q31.2.
Variant type: single nucleotide variant.
Coding change: c.79442C>T on transcript NM_001267550.2 (MANE Select); coding-DNA position 79442, C replaced by T.
Protein change: p.Ala26481Val; replaces alanine 26481 with valine.
Molecular consequence: missense variant.
Genome position (GRCh38, 1-based): chr2:178,566,690, G>A on the plus strand (C>T on the coding strand, the complement: TTN is on the minus strand). VCF-style: chr2-178566690-G-A. GRCh37 (hg19) VCF-style: chr2-179431417-G-A.
Other names: c.74519C>T, p.Ala24840Val (NM_001256850.1); c.52247C>T, p.Ala17416Val (NM_003319.4); c.71738C>T, p.Ala23913Val (NM_133378.4); c.52622C>T, p.Ala17541Val (NM_133432.3); c.52823C>T, p.Ala17608Val (NM_133437.4); short protein forms A17416V, A17541V, A17608V, A23913V, A24840V, A26481V.
Identifiers: ClinVar variation 4989964 (VCV004989964.1).

ClinVar aggregate classification (germline): Uncertain significance (1 of 4 stars; one submission).

Conditions:
TTN-related disorder. Also called: TTN-related disorders; TTN-related condition; TTN-related disease.

gnomAD v4.1: 3 of 1,613,168 alleles (0.00019%); highest among the groups gnomAD compares: Admixed American, 0.005%; no homozygotes.

Submission:

PreventionGenetics, part of Exact Sciences
Classification: Uncertain significance for TTN-related condition. Last evaluated: 2025-11-22. Review status: criteria provided, single submitter. Criteria: ACMG Guidelines, 2015. Collection method: clinical testing. Allele origin: germline.
Comment: The TTN c.79442C>T variant is predicted to result in the amino acid substitution p.Ala26481Val. To our knowledge, this variant has not been reported in the literature. This variant is reported in 0.0058% of alleles in individuals of Latino descent in gnomAD. At this time, the clinical significance of this variant is uncertain due to the absence of conclusive functional and genetic evidence.